The following is an entry in ClinVar:

ClinVar aggregate classification (germline): Uncertain significance. Review status: criteria provided, multiple submitters, no conflicts (2 of 4 stars). 2 submissions from 2 submitters: Uncertain significance (2). Last evaluated 2024-04-08.

Conditions:
Hereditary cancer-predisposing syndrome. Also called: Tumor predisposition; Hereditary neoplastic syndrome; Neoplastic Syndromes, Hereditary; Hereditary Cancer Syndrome. Identifiers: Orphanet 140162, MedGen C0027672, MeSH D009386, MONDO:0015356.
Bloom syndrome (BLM). Also called: Bloom-Torre-Machacek syndrome. Identifiers: Orphanet 125, MedGen C0005859, MONDO:0008876, OMIM 210900.

Submissions (2):

Labcorp Genetics (formerly Invitae), Labcorp
Classification: Uncertain significance for Bloom syndrome. Last evaluated: 2024-04-08. Review status: criteria provided, single submitter. Criteria: Invitae Variant Classification Sherloc (09022015). Collection method: clinical testing. Allele origin: germline.
Comment: This sequence change replaces asparagine, which is neutral and polar, with aspartic acid, which is acidic and polar, at codon 1112 of the BLM protein (p.Asn1112Asp). This variant is not present in population databases (gnomAD no frequency). This variant has not been reported in the literature in individuals affected with BLM-related conditions. ClinVar contains an entry for this variant (Variation ID: 858108). Advanced modeling of protein sequence and biophysical properties (such as structural, functional, and spatial information, amino acid conservation, physicochemical variation, residue mobility, and thermodynamic stability) performed at Invitae indicates that this missense variant is expected to disrupt BLM protein function with a positive predictive value of 80%. In summary, the available evidence is currently insufficient to determine the role of this variant in disease. Therefore, it has been classified as a Variant of Uncertain Significance.

Ambry Genetics
Classification: Uncertain significance for Hereditary cancer-predisposing syndrome. Last evaluated: 2022-12-17. Review status: criteria provided, single submitter. Criteria: Ambry Variant Classification Scheme 2023. Collection method: clinical testing. Allele origin: germline.
Comment: The p.N1112D variant (also known as c.3334A>G), located in coding exon 16 of the BLM gene, results from an A to G substitution at nucleotide position 3334. The asparagine at codon 1112 is replaced by aspartic acid, an amino acid with highly similar properties. This amino acid position is conserved. In addition, this alteration is predicted to be tolerated by in silico analysis. Since supporting evidence is limited at this time, the clinical significance of this alteration remains unclear.

NM_000057.4(BLM):c.3334A>G (p.Asn1112Asp)

Gene: BLM (BLM RecQ like helicase; plus strand). Cytogenetic location: 15q26.1.
Variant type: single nucleotide variant.
Coding change: c.3334A>G on transcript NM_000057.4 (MANE Select); coding-DNA position 3334, A replaced by G.
Protein change: p.Asn1112Asp; replaces asparagine 1112 with aspartic acid.
Molecular consequence: missense variant.
Genome position (GRCh38, 1-based): chr15:90,798,313, A>G. VCF-style: chr15-90798313-A-G. GRCh37 (hg19) VCF-style: chr15-91341543-A-G.
Other names: c.3334A>G (NM_000057.2); c.3334A>G, p.Asn1112Asp (NM_001287246.2, NM_001287247.2); c.2209A>G, p.Asn737Asp (NM_001287248.2); short protein forms N1112D, N737D.
Identifiers: ClinVar variation 858108 (VCV000858108.10), dbSNP rs1352520577, ClinGen allele CA393847359.